The following is an entry in ClinVar:

ClinVar aggregate classification (germline): Uncertain significance. Review status: criteria provided, multiple submitters, no conflicts (2 of 4 stars). 8 submissions from 8 submitters: Uncertain significance (7). 1 of the submissions does not count toward it. Last evaluated 2026-05-14.

Conditions:
PEX7-related disorder. Also called: PEX7-related condition; PEX7-related disorders. Identifiers: MedGen CN239409.
Inborn genetic diseases. Identifiers: MedGen C0950123, MeSH D030342.
Rhizomelic chondrodysplasia punctata (RCDP). Identifiers: Orphanet 177, MedGen C0282529, MONDO:0015776. Disease mechanism: loss of function.
Refsum disease, classic. Also called: HEREDOPATHIA ATACTICA POLYNEURITIFORMIS; HMSN IV; PHYTANIC ACID OXIDASE DEFICIENCY; PHYH-Related Refsum Disease. Identifiers: Orphanet 773, MedGen C5780941, MONDO:1060256, OMIM 266500. Disease mechanism: loss of function.
Rhizomelic chondrodysplasia punctata type 1 (RCDP1). Also called: CHONDRODYSTROPHIA CALCIFICANS PUNCTATA; PEROXISOME BIOGENESIS DISORDER 9; PEX7-Related Rhizomelic Chondrodysplasia Punctata. Identifiers: Orphanet 177, Orphanet 309789, MedGen C1859133, MONDO:0008972, OMIM 215100. Disease mechanism: loss of function.
Peroxisome biogenesis disorder 9B. Also called: PEROXISOME BIOGENESIS DISORDER, PEX7-RELATED, ATYPICAL; PEX7-Related Refsum Disease; Refsum disease, adult, 2. Identifiers: Orphanet 773, MedGen C2749346, MONDO:0013945, OMIM 614879.

Allele frequency attached by ClinVar (database versions not stated): gnomAD exomes 0.00003; gnomAD 0.00003; TOPMed 0.00002; ExAC 0.00011.
gnomAD v4.1: 44 of 1,488,770 alleles (0.003%); highest among the groups gnomAD compares: Middle Eastern, 0.023%; no homozygotes.

Submissions (8):

PreventionGenetics, part of Exact Sciences
Classification: Uncertain significance for PEX7-related condition. Last evaluated: 2026-05-14. Review status: criteria provided, single submitter. Criteria: ACMG Guidelines, 2015. Collection method: clinical testing. Allele origin: germline.
Comment: The PEX7 c.86C>T variant is predicted to result in the amino acid substitution p.Pro29Leu. This variant was reported in an individual with a retinal and/or optic nerve disorder (Table S12, Diñeiro et al. 2020. PubMed ID: 32483926). This variant is reported in 0.010% of alleles in individuals of African descent in gnomAD. At this time, the clinical significance of this variant is uncertain due to the absence of conclusive functional and genetic evidence.

Mayo Clinic Laboratories, Mayo Clinic
Classification: Uncertain significance. Last evaluated: 2023-02-01. Review status: criteria provided, single submitter. Criteria: ACMG Guidelines, 2015. Collection method: clinical testing. Allele origin: germline. Observed: 2 variant alleles.

Labcorp Genetics (formerly Invitae), Labcorp
Classification: Uncertain significance for Peroxisome biogenesis disorder 9B. Last evaluated: 2022-08-15. Review status: criteria provided, single submitter. Criteria: Invitae Variant Classification Sherloc (09022015). Collection method: clinical testing. Allele origin: germline.
Comment: This sequence change replaces proline, which is neutral and non-polar, with leucine, which is neutral and non-polar, at codon 29 of the PEX7 protein (p.Pro29Leu). This variant is present in population databases (rs757852291, gnomAD 0.01%). This variant has not been reported in the literature in individuals affected with PEX7-related conditions. ClinVar contains an entry for this variant (Variation ID: 498141). Algorithms developed to predict the effect of missense changes on protein structure and function are either unavailable or do not agree on the potential impact of this missense change (SIFT: "Deleterious"; PolyPhen-2: "Possibly Damaging"; Align-GVGD: "Class C0"). In summary, the available evidence is currently insufficient to determine the role of this variant in disease. Therefore, it has been classified as a Variant of Uncertain Significance.

Blueprint Genetics
Classification: Uncertain significance. Last evaluated: 2022-03-08. Review status: criteria provided, single submitter. Criteria: ACMG Guidelines, 2015. Collection method: clinical testing. Allele origin: germline.

Ambry Genetics
Classification: Uncertain significance for Inborn genetic diseases. Last evaluated: 2021-03-26. Review status: criteria provided, single submitter. Criteria: Ambry Variant Classification Scheme 2023. Collection method: clinical testing. Allele origin: germline.
Comment: The c.86C>T (p.P29L) alteration is located in exon 1 (coding exon 1) of the PEX7 gene. This alteration results from a C to T substitution at nucleotide position 86, causing the proline (P) at amino acid position 29 to be replaced by a leucine (L). The in silico prediction for the p.P29L alteration is inconclusive. Based on insufficient or conflicting evidence, the clinical significance of this alteration remains unclear.

Fulgent Genetics
Classification: Uncertain significance for Rhizomelic chondrodysplasia punctata type 1; Refsum disease, classic; Peroxisome biogenesis disorder 9B. Last evaluated: 2018-10-31. Review status: criteria provided, single submitter. Criteria: ACMG Guidelines, 2015. Collection method: clinical testing. Allele origin: unknown.

Eurofins Ntd Llc (ga)
Classification: Uncertain significance. Last evaluated: 2016-10-24. Review status: criteria provided, single submitter. Criteria: EGL Classification Definitions 2015. Collection method: clinical testing. Allele origin: germline. Observed: 1 variant allele, 1 heterozygote.

Natera, Inc.
Classification: Uncertain significance for Rhizomelic chondrodysplasia punctata. Last evaluated: 2020-09-16. Review status: no assertion criteria provided. Collection method: clinical testing. Allele origin: germline. Not counted in ClinVar's aggregate classification.

Literature cited by the submitters: PubMed 32483926 (cited by Mayo Clinic Laboratories, Mayo Clinic).

NM_000288.4(PEX7):c.86C>T (p.Pro29Leu)

Gene: PEX7 (peroxisomal biogenesis factor 7; plus strand). Cytogenetic location: 6q23.3.
Variant type: single nucleotide variant.
Coding change: c.86C>T on transcript NM_000288.4 (MANE Select); coding-DNA position 86, C replaced by T.
Protein change: p.Pro29Leu; replaces proline 29 with leucine.
Molecular consequence: missense variant.
Genome position (GRCh38, 1-based): chr6:136,822,751, C>T. VCF-style: chr6-136822751-C-T. GRCh37 (hg19) VCF-style: chr6-137143889-C-T.
Other names: p.Pro29Leu; short protein forms P29L.
Identifiers: ClinVar variation 498141 (VCV000498141.15), dbSNP rs757852291, ClinGen allele CA4017482.
Genomic context (GRCh38, chr6:136,822,751, plus strand): 5'-CGCGGATGCTGCGGACGCCGGGACGCCACGGCTACGCCGCCGAGTTCTCCCCGTACCTGC[C>T]GGGCCGCCTGGCCTGCGCCACCGCGCAGCACTACGGCATCGCGGGTGAGGCGGCGCCGCG-3'
Protein context (NP_000279.1, residues 19-39): GYAAEFSPYL[Pro29Leu]GRLACATAQH